The following is an entry in ClinVar:

NM_004211.5(SLC6A5):c.1430del (p.Ser477fs)

Gene: SLC6A5 (solute carrier family 6 member 5; plus strand). Cytogenetic location: 11p15.1.
Variant type: Deletion.
Coding change: c.1430del on transcript NM_004211.5 (MANE Select); coding-DNA position 1430, one base deleted (C; older notation c.1430delC).
Protein change: p.Ser477fs; shifts the reading frame from serine 477.
Molecular consequence: frameshift variant.
Genome position (GRCh38, 1-based): chr11:20,628,014, C deleted. VCF-style (leftmost placement, unchanged base first): chr11-20628013-TC-T. GRCh37 (hg19) VCF-style: chr11-20649559-TC-T.
Other names: c.728del, p.Ser243fs (NM_001318369.2); c.1430delC (NM_004211.4); short protein forms S477fs, S243fs.
Identifiers: ClinVar variation 624831 (VCV000624831.28), dbSNP rs767695215, ClinGen allele CA5921453.

ClinVar aggregate classification (germline): Pathogenic. Review status: criteria provided, multiple submitters, no conflicts (2 of 4 stars). 4 submissions from 4 submitters: Pathogenic (3). 1 of the submissions does not count toward it. Last evaluated 2026-08-04.

Conditions:
SLC6A5-related disorder. Also called: SLC6A5-related condition.
Exaggerated startle response. Identifiers: MedGen C1740801, HP:0002267.
Hyperekplexia 3 (HKPX3). Also called: HYPEREKPLEXIA 3, AUTOSOMAL RECESSIVE; HYPEREKPLEXIA 3, AUTOSOMAL DOMINANT. Identifiers: Orphanet 3197, MedGen C3553288, MONDO:0013827, OMIM 614618.

Allele frequency attached by ClinVar (database versions not stated): gnomAD 0.00001; gnomAD exomes 0.00001; TOPMed 0.00001; ExAC 0.00002.

Submissions (4):

PreventionGenetics, part of Exact Sciences
Classification: Pathogenic for SLC6A5-related condition. Last evaluated: 2026-08-04. Review status: criteria provided, single submitter. Criteria: ACMG Guidelines, 2015. Collection method: clinical testing. Allele origin: germline.
Comment: The SLC6A5 c.1430delC variant is predicted to result in a frameshift and premature protein termination (p.Ser477Phefs*9). This variant has been reported in the compound heterozygous state in an individual with hyperekplexia (Dafsari et al. 2019. PubMed ID: 31604777). This variant is reported in 0.0062% of alleles in individuals of African descent in gnomAD. Frameshift variants in SLC6A5 are expected to be pathogenic. This variant is interpreted as pathogenic.

Labcorp Genetics (formerly Invitae), Labcorp
Classification: Pathogenic for Hyperekplexia 3. Last evaluated: 2025-12-22. Review status: criteria provided, single submitter. Criteria: Invitae Variant Classification Sherloc (09022015). Collection method: clinical testing. Allele origin: germline.
Comment: This sequence change creates a premature translational stop signal (p.Ser477Phefs*9) in the SLC6A5 gene. It is expected to result in an absent or disrupted protein product. Loss-of-function variants in SLC6A5 are known to be pathogenic (PMID: 14622583, 16751771, 22700964). This variant is present in population databases (rs767695215, gnomAD 0.007%). This premature translational stop signal has been observed in individual(s) with clinical features of hyperekplexia (PMID: 31604777). ClinVar contains an entry for this variant (Variation ID: 624831). For these reasons, this variant has been classified as Pathogenic.

CeGaT Center for Human Genetics Tuebingen
Classification: Pathogenic. Last evaluated: 2024-03-01. Review status: criteria provided, single submitter. Criteria: CeGaT Center For Human Genetics Tuebingen Variant Classification Criteria Version 2. Collection method: clinical testing. Allele origin: germline. Affected: yes. Observed: 1 variant allele.
Comment: SLC6A5: PVS1, PM2, PM3

Cirak Lab, University Hospital Cologne
Classification: Pathogenic for Exaggerated startle response. Review status: no assertion criteria provided. Collection method: in vivo. Allele origin: maternal. Inheritance: Autosomal recessive inheritance. Affected: yes. Observed: 1 compound heterozygote. Not counted in ClinVar's aggregate classification.

Literature cited by the submitters: PubMed 14622583 (cited by Labcorp Genetics (formerly Invitae), Labcorp); PubMed 16751771 (cited by Labcorp Genetics (formerly Invitae), Labcorp); PubMed 22700964 (cited by Labcorp Genetics (formerly Invitae), Labcorp); PubMed 31604777 (cited by Labcorp Genetics (formerly Invitae), Labcorp).